The following is an entry in ClinVar:

ClinVar aggregate classification (germline): Uncertain significance (1 of 4 stars; one submission).

Submission:

GeneDx
Classification: Uncertain significance. Last evaluated: 2022-05-25. Review status: criteria provided, single submitter. Criteria: GeneDx Variant Classification Process June 2021. Collection method: clinical testing. Allele origin: germline. Affected: yes.
Comment: Not observed at significant frequency in large population cohorts (gnomAD); In silico analysis supports that this missense variant has a deleterious effect on protein structure/function; Has not been previously published as pathogenic or benign to our knowledge

NM_138927.4(SON):c.3079C>T (p.Pro1027Ser)

Gene: SON (SON DNA and RNA binding protein; plus strand). Cytogenetic location: 21q22.11.
Variant type: single nucleotide variant.
Coding change: c.3079C>T on transcript NM_138927.4 (MANE Select); coding-DNA position 3079, C replaced by T.
Protein change: p.Pro1027Ser; replaces proline 1027 with serine.
Molecular consequence: missense variant. On other transcripts: non-coding transcript variant (1), intron variant (1).
Genome position (GRCh38, 1-based): chr21:33,552,310, C>T. VCF-style: chr21-33552310-C-T. GRCh37 (hg19) VCF-style: chr21-34924616-C-T.
Other names: c.3079C>T, p.Pro1027Ser (NM_001291411.2, NM_001412133.1, NM_032195.3 and 2 more transcripts); c.245-4846C>T (NM_001291412.3); short protein forms P1027S.
Identifiers: ClinVar variation 1801936 (VCV001801936.1), dbSNP rs1200741675, ClinGen allele CA410159409.